The following is an entry in ClinVar:

ClinVar aggregate classification (germline): Uncertain significance (1 of 4 stars; one submission).

Allele frequency attached by ClinVar (database versions not stated): ExAC 0.00004; ESP Exome Variant Server 0.00008; TOPMed 0.00015; 1000 Genomes Project 30x 0.00016; gnomAD 0.00016; gnomAD exomes 0.00016; 1000 Genomes Project 0.00020.

Submission:

Labcorp Genetics (formerly Invitae), Labcorp
Classification: Uncertain significance. Last evaluated: 2025-12-02. Review status: criteria provided, single submitter. Criteria: Invitae Variant Classification Sherloc (09022015). Collection method: clinical testing. Allele origin: germline.
Comment: This sequence change replaces arginine, which is basic and polar, with tryptophan, which is neutral and slightly polar, at codon 400 of the SHPK protein (p.Arg400Trp). This variant is present in population databases (rs199568565, gnomAD 0.01%). This variant has not been reported in the literature in individuals affected with SHPK-related conditions. ClinVar contains an entry for this variant (Variation ID: 2059591). An algorithm developed to predict the effect of missense changes on protein structure and function (PolyPhen-2) suggests that this variant is likely to be disruptive. In summary, the available evidence is currently insufficient to determine the role of this variant in disease. Therefore, it has been classified as a Variant of Uncertain Significance.

NM_013276.4(SHPK):c.1198C>T (p.Arg400Trp)

Gene: SHPK (sedoheptulokinase; minus strand). Cytogenetic location: 17p13.2.
Variant type: single nucleotide variant.
Coding change: c.1198C>T on transcript NM_013276.4 (MANE Select); coding-DNA position 1198, C replaced by T.
Protein change: p.Arg400Trp; replaces arginine 400 with tryptophan.
Molecular consequence: missense variant.
Genome position (GRCh38, 1-based): chr17:3,610,799, G>A on the plus strand (C>T on the coding strand, the complement: SHPK is on the minus strand). VCF-style: chr17-3610799-G-A. GRCh37 (hg19) VCF-style: chr17-3514093-G-A.
Other names: short protein forms R400W.
Identifiers: ClinVar variation 2059591 (VCV002059591.4), dbSNP rs199568565, ClinGen allele CA8291078.